The following is an entry in ClinVar:

NM_007262.5(PARK7):c.271A>G (p.Ile91Val)

Gene: PARK7 (Parkinsonism associated deglycase; plus strand). Cytogenetic location: 1p36.23.
Variant type: single nucleotide variant.
Coding change: c.271A>G on transcript NM_007262.5 (MANE Select); coding-DNA position 271, A replaced by G.
Protein change: p.Ile91Val; replaces isoleucine 91 with valine.
Molecular consequence: missense variant.
Genome position (GRCh38, 1-based): chr1:7,970,912, A>G. VCF-style: chr1-7970912-A-G. GRCh37 (hg19) VCF-style: chr1-8030972-A-G.
Other names: c.271A>G, p.Ile91Val (NM_001123377.2); short protein forms I91V.
Identifiers: ClinVar variation 1468432 (VCV001468432.6), dbSNP rs2151432369, ClinGen allele CA338165289.

ClinVar aggregate classification (germline): Uncertain significance (1 of 4 stars; one submission).

Conditions:
Autosomal recessive early-onset Parkinson disease 7. Identifiers: Orphanet 2828, MedGen C1853445, MONDO:0011658, OMIM 606324.

Submission:

Labcorp Genetics (formerly Invitae), Labcorp
Classification: Uncertain significance for Autosomal recessive early-onset Parkinson disease 7. Last evaluated: 2021-11-01. Review status: criteria provided, single submitter. Criteria: Invitae Variant Classification Sherloc (09022015). Collection method: clinical testing. Allele origin: germline.
Comment: In summary, the available evidence is currently insufficient to determine the role of this variant in disease. Therefore, it has been classified as a Variant of Uncertain Significance. This sequence change replaces isoleucine, which is neutral and non-polar, with valine, which is neutral and non-polar, at codon 91 of the PARK7 protein (p.Ile91Val). This variant is not present in population databases (gnomAD no frequency). This variant has not been reported in the literature in individuals affected with PARK7-related conditions. Algorithms developed to predict the effect of missense changes on protein structure and function output the following: SIFT: "Tolerated"; PolyPhen-2: "Benign"; Align-GVGD: "Class C0". The valine amino acid residue is found in multiple mammalian species, which suggests that this missense change does not adversely affect protein function. Algorithms developed to predict the effect of sequence changes on RNA splicing suggest that this variant may create or strengthen a splice site.